The following is an entry in ClinVar:

NM_018451.5(CPAP):c.3068G>A (p.Arg1023His)

Gene: CPAP (centrosome assembly and centriole elongation protein; minus strand). Cytogenetic location: 13q12.12.
Variant type: single nucleotide variant.
Coding change: c.3068G>A on transcript NM_018451.5 (MANE Select); coding-DNA position 3068, G replaced by A.
Protein change: p.Arg1023His; replaces arginine 1023 with histidine.
Molecular consequence: missense variant. On other transcripts: non-coding transcript variant (2).
Genome position (GRCh38, 1-based): chr13:24,892,791, C>T on the plus strand (G>A on the coding strand, the complement: CPAP is on the minus strand). VCF-style: chr13-24892791-C-T. GRCh37 (hg19) VCF-style: chr13-25466929-C-T.
Other names: short protein forms R1023H.
Identifiers: ClinVar variation 311611 (VCV000311611.9), dbSNP rs146950242, ClinGen allele CA6919415.

ClinVar aggregate classification (germline): Uncertain significance. Review status: criteria provided, multiple submitters, no conflicts (2 of 4 stars). 3 submissions from 2 submitters: Uncertain significance (3). Last evaluated 2022-11-22.

Conditions:
Seckel syndrome 4 (SCKL4). Identifiers: Orphanet 808, MedGen C3888212, MONDO:0013358, OMIM 613676.
Microcephaly 6, primary, autosomal recessive. Identifiers: Orphanet 2512, MedGen C1842109, MONDO:0012029, OMIM 608393.

Allele frequency attached by ClinVar (database versions not stated): gnomAD exomes 0.00001 and 0.00002; ExAC 0.00003; gnomAD 0.00004; TOPMed 0.00006; ESP Exome Variant Server 0.00008; 1000 Genomes Project 0.00020; 1000 Genomes Project 30x 0.00031.
gnomAD v4.1: 13 of 1,613,612 alleles (0.00081%); highest among the groups gnomAD compares: African/African-American, 0.013%; no homozygotes.

Submissions (3):

Labcorp Genetics (formerly Invitae), Labcorp
Classification: Uncertain significance. Last evaluated: 2022-11-22. Review status: criteria provided, single submitter. Criteria: Invitae Variant Classification Sherloc (09022015). Collection method: clinical testing. Allele origin: germline.
Comment: This sequence change replaces arginine, which is basic and polar, with histidine, which is basic and polar, at codon 1023 of the CENPJ protein (p.Arg1023His). This variant is present in population databases (rs146950242, gnomAD 0.02%). In summary, the available evidence is currently insufficient to determine the role of this variant in disease. Therefore, it has been classified as a Variant of Uncertain Significance. Advanced modeling of protein sequence and biophysical properties (such as structural, functional, and spatial information, amino acid conservation, physicochemical variation, residue mobility, and thermodynamic stability) performed at Invitae indicates that this missense variant is expected to disrupt CENPJ protein function. ClinVar contains an entry for this variant (Variation ID: 311611). This variant has not been reported in the literature in individuals affected with CENPJ-related conditions.

Illumina Laboratory Services, Illumina
Classification: Uncertain significance for Microcephaly 6, primary, autosomal recessive. Last evaluated: 2018-01-13. Review status: criteria provided, single submitter. Criteria: ICSL Variant Classification Criteria 13 December 2019. Collection method: clinical testing. Allele origin: germline.

Illumina Laboratory Services, Illumina
Classification: Uncertain significance for Seckel syndrome 4. Last evaluated: 2018-01-13. Review status: criteria provided, single submitter. Criteria: ICSL Variant Classification Criteria 13 December 2019. Collection method: clinical testing. Allele origin: germline.